The following is an entry in ClinVar:

ClinVar aggregate classification (germline): Uncertain significance (1 of 4 stars; one submission).

Conditions:
Brugada syndrome 8 (BRGDA8). Identifiers: Orphanet 130, MedGen C2751083, MONDO:0013148, OMIM 613123.

Submission:

Labcorp Genetics (formerly Invitae), Labcorp
Classification: Uncertain significance for Brugada syndrome 8. Last evaluated: 2025-09-25. Review status: criteria provided, single submitter. Criteria: Invitae Variant Classification Sherloc (09022015). Collection method: clinical testing. Allele origin: germline.
Comment: This sequence change replaces glycine, which is neutral and non-polar, with arginine, which is basic and polar, at codon 1077 of the HCN4 protein (p.Gly1077Arg). This variant is not present in population databases (gnomAD no frequency). This variant has not been reported in the literature in individuals affected with HCN4-related conditions. Invitae Evidence Modeling of protein sequence and biophysical properties (such as structural, functional, and spatial information, amino acid conservation, physicochemical variation, residue mobility, and thermodynamic stability) has been performed for this missense variant. However, the output from this modeling did not meet the statistical confidence thresholds required to predict the impact of this variant on HCN4 protein function. In summary, the available evidence is currently insufficient to determine the role of this variant in disease. Therefore, it has been classified as a Variant of Uncertain Significance.

NM_005477.3(HCN4):c.3229G>C (p.Gly1077Arg)

Gene: HCN4 (hyperpolarization activated cyclic nucleotide gated potassium channel 4; minus strand). Cytogenetic location: 15q24.1.
Variant type: single nucleotide variant.
Coding change: c.3229G>C on transcript NM_005477.3 (MANE Select); coding-DNA position 3229, G replaced by C.
Protein change: p.Gly1077Arg; replaces glycine 1077 with arginine.
Molecular consequence: missense variant.
Genome position (GRCh38, 1-based): chr15:73,322,864, C>G on the plus strand (G>C on the coding strand, the complement: HCN4 is on the minus strand). VCF-style: chr15-73322864-C-G. GRCh37 (hg19) VCF-style: chr15-73615205-C-G.
Other names: short protein forms G1077R.
Identifiers: ClinVar variation 4805378 (VCV004805378.1).